The following is an entry in ClinVar:

NM_020937.4(FANCM):c.6065T>G (p.Ile2022Ser)

Gene: FANCM (FA complementation group M; plus strand). Cytogenetic location: 14q21.2.
Variant type: single nucleotide variant.
Coding change: c.6065T>G on transcript NM_020937.4 (MANE Select); coding-DNA position 6065, T replaced by G.
Protein change: p.Ile2022Ser; replaces isoleucine 2022 with serine.
Molecular consequence: missense variant.
Genome position (GRCh38, 1-based): chr14:45,199,926, T>G. VCF-style: chr14-45199926-T-G. GRCh37 (hg19) VCF-style: chr14-45669129-T-G.
Other names: c.5987T>G, p.Ile1996Ser (NM_001308133.2); short protein forms I2022S, I1996S.
Identifiers: ClinVar variation 1366924 (VCV001366924.8), dbSNP rs2139331987, ClinGen allele CA389588221.

ClinVar aggregate classification (germline): Uncertain significance (1 of 4 stars; one submission).

Conditions:
Fanconi anemia (FA). Also called: Fanconi's anemia. Identifiers: Orphanet 84, MedGen C0015625, MeSH D005199, MONDO:0019391.

Submission:

Labcorp Genetics (formerly Invitae), Labcorp
Classification: Uncertain significance for Fanconi anemia. Last evaluated: 2025-11-03. Review status: criteria provided, single submitter. Criteria: Invitae Variant Classification Sherloc (09022015). Collection method: clinical testing. Allele origin: germline.
Comment: This sequence change replaces isoleucine, which is neutral and non-polar, with serine, which is neutral and polar, at codon 2022 of the FANCM protein (p.Ile2022Ser). This variant is not present in population databases (gnomAD no frequency). This variant has not been reported in the literature in individuals affected with FANCM-related conditions. ClinVar contains an entry for this variant (Variation ID: 1366924). An algorithm developed to predict the effect of missense changes on protein structure and function (PolyPhen-2) suggests that this variant is likely to be disruptive. In summary, the available evidence is currently insufficient to determine the role of this variant in disease. Therefore, it has been classified as a Variant of Uncertain Significance.